The following is an entry in ClinVar:

NM_000038.6(APC):c.7749A>C (p.Lys2583Asn)

Gene: APC (APC regulator of Wnt signaling pathway; plus strand). Cytogenetic location: 5q22.2.
Variant type: single nucleotide variant.
Coding change: c.7749A>C on transcript NM_000038.6 (MANE Select); coding-DNA position 7749, A replaced by C.
Protein change: p.Lys2583Asn; replaces lysine 2583 with asparagine.
Molecular consequence: missense variant.
Genome position (GRCh38, 1-based): chr5:112,843,343, A>C. VCF-style: chr5-112843343-A-C. GRCh37 (hg19) VCF-style: chr5-112179040-A-C.
Other names: c.7749A>C, p.Lys2583Asn (NM_001127510.3, NM_001354895.2); c.7695A>C, p.Lys2565Asn (NM_001127511.3); c.7803A>C, p.Lys2601Asn (NM_001354896.2); c.7779A>C, p.Lys2593Asn (NM_001354897.2); c.7674A>C, p.Lys2558Asn (NM_001354898.2); c.7665A>C, p.Lys2555Asn (NM_001354899.2); c.7626A>C, p.Lys2542Asn (NM_001354900.2); c.7572A>C, p.Lys2524Asn (NM_001354901.2); and 5 more; short protein forms K2423N, K2542N, K2300N, K2457N, K2593N, K2601N, K2482N, K2492N.
Identifiers: ClinVar variation 953942 (VCV000953942.11), dbSNP rs1766556638, ClinGen allele CA16038162.

ClinVar aggregate classification (germline): Uncertain significance (1 of 4 stars; one submission).

Conditions:
Familial adenomatous polyposis 1 (FAP1). Also called: FAMILIAL ADENOMATOUS POLYPOSIS 1, ATTENUATED; POLYPOSIS, ADENOMATOUS INTESTINAL. Identifiers: MedGen C2713442, MONDO:0021056, OMIM 175100. Disease mechanism: loss of function.

Submission:

Labcorp Genetics (formerly Invitae), Labcorp
Classification: Uncertain significance for Familial adenomatous polyposis 1. Last evaluated: 2021-08-24. Review status: criteria provided, single submitter. Criteria: Invitae Variant Classification Sherloc (09022015). Collection method: clinical testing. Allele origin: germline.
Comment: In summary, the available evidence is currently insufficient to determine the role of this variant in disease. Therefore, it has been classified as a Variant of Uncertain Significance. Algorithms developed to predict the effect of missense changes on protein structure and function (SIFT, PolyPhen-2, Align-GVGD) all suggest that this variant is likely to be disruptive, but these predictions have not been confirmed by published functional studies and their clinical significance is uncertain. This variant has not been reported in the literature in individuals with APC-related conditions. This variant is not present in population databases (ExAC no frequency). This sequence change replaces lysine with asparagine at codon 2583 of the APC protein (p.Lys2583Asn). The lysine residue is highly conserved and there is a moderate physicochemical difference between lysine and asparagine.